The following is an entry in ClinVar:

ClinVar aggregate classification (germline): Uncertain significance (1 of 4 stars; one submission).

Conditions:
X-linked severe combined immunodeficiency (SCIDX1). Also called: IMMUNODEFICIENCY 4; SCID, X-LINKED; SEVERE COMBINED IMMUNODEFICIENCY, X-LINKED, T CELL-NEGATIVE, B CELL-POSITIVE, NK CELL-NEGATIVE; T-B+ severe combined immunodeficiency due to gamma chain deficiency; X-Linked Combined Immunodeficiency Diseases. Identifiers: Orphanet 276, MedGen C6022468, MONDO:0010315, OMIM 300400. Disease mechanism: loss of function.

Submission:

Labcorp Genetics (formerly Invitae), Labcorp
Classification: Uncertain significance for X-linked severe combined immunodeficiency. Last evaluated: 2024-10-15. Review status: criteria provided, single submitter. Criteria: Invitae Variant Classification Sherloc (09022015). Collection method: clinical testing. Allele origin: germline.
Comment: This sequence change replaces aspartic acid, which is acidic and polar, with glycine, which is neutral and non-polar, at codon 134 of the IL2RG protein (p.Asp134Gly). This variant is not present in population databases (gnomAD no frequency). This missense change has been observed in individual(s) with congenital lymphopenia (internal data). ClinVar contains an entry for this variant (Variation ID: 1366044). Invitae Evidence Modeling of protein sequence and biophysical properties (such as structural, functional, and spatial information, amino acid conservation, physicochemical variation, residue mobility, and thermodynamic stability) indicates that this missense variant is expected to disrupt IL2RG protein function with a positive predictive value of 95%. In summary, the available evidence is currently insufficient to determine the role of this variant in disease. Therefore, it has been classified as a Variant of Uncertain Significance.

NM_000206.3(IL2RG):c.401A>G (p.Asp134Gly)

Gene: IL2RG (interleukin 2 receptor subunit gamma; minus strand). Cytogenetic location: Xq13.1.
Variant type: single nucleotide variant.
Coding change: c.401A>G on transcript NM_000206.3 (MANE Select); coding-DNA position 401, A replaced by G.
Protein change: p.Asp134Gly; replaces aspartic acid 134 with glycine.
Molecular consequence: missense variant.
Genome position (GRCh38, 1-based): chrX:71,110,557, T>C on the plus strand (A>G on the coding strand, the complement: IL2RG is on the minus strand). VCF-style: chrX-71110557-T-C. GRCh37 (hg19) VCF-style: chrX-70330407-T-C.
Other names: short protein forms D134G.
Identifiers: ClinVar variation 1366044 (VCV001366044.8), dbSNP rs2147750229, ClinGen allele CA413496637.